The following is an entry in ClinVar:

NM_017777.4(MKS1):c.1612C>T (p.Arg538Cys)

Gene: MKS1 (MKS transition zone complex subunit 1; minus strand). Cytogenetic location: 17q22.
Variant type: single nucleotide variant.
Coding change: c.1612C>T on transcript NM_017777.4 (MANE Select); coding-DNA position 1612, C replaced by T.
Protein change: p.Arg538Cys; replaces arginine 538 with cysteine.
Molecular consequence: missense variant. On other transcripts: 3 prime UTR variant (1).
Genome position (GRCh38, 1-based): chr17:58,206,147, G>A on the plus strand (C>T on the coding strand, the complement: MKS1 is on the minus strand). VCF-style: chr17-58206147-G-A. GRCh37 (hg19) VCF-style: chr17-56283508-G-A.
Other names: c.1003C>T, p.Arg335Cys (NM_001321268.2); c.1529C>T, p.Pro510Leu (NM_001321269.2); c.*24C>T (NM_001330397.2); short protein forms P510L, R335C, R538C.
Identifiers: ClinVar variation 2150162 (VCV002150162.7), dbSNP rs34631184, ClinGen allele CA8669058.

ClinVar aggregate classification (germline): Uncertain significance. Review status: criteria provided, multiple submitters, no conflicts (2 of 4 stars). 5 submissions from 5 submitters: Uncertain significance (4). 1 of the submissions does not count toward it. Last evaluated 2024-09-06.

Conditions:
Meckel-Gruber syndrome. Also called: Dysencephalia splachnocystica; GRUBER SYNDROME; DYSENCEPHALIA SPLANCHNOCYSTICA. Identifiers: Orphanet 564, MedGen C0265215, MONDO:0018921.
Joubert syndrome. Also called: Familial aplasia of the vermis; JOUBERT-BOLTSHAUSER SYNDROME. Identifiers: Orphanet 475, MedGen C5979921, MONDO:0018772.
MKS1-related disorder. Also called: MKS1-related condition; MKS1-related disorders. Identifiers: MedGen CN239382.
Meckel syndrome, type 1 (MKS1). Also called: MECKEL-GRUBER SYNDROME, TYPE 1. Identifiers: Orphanet 564, MedGen C3714506, MONDO:0009571, OMIM 249000.
Joubert syndrome 28 (JBTS28). Identifiers: MedGen C4310705, MONDO:0014928, OMIM 617121.
Bardet-Biedl syndrome 13 (BBS13). Identifiers: Orphanet 110, MedGen C2673873, MONDO:0014441, OMIM 615990.

Allele frequency attached by ClinVar (database versions not stated): gnomAD exomes 0.00002; ExAC 0.00005; TOPMed 0.00012; gnomAD 0.00013; ESP Exome Variant Server 0.00025.

Submissions (5):

Labcorp Genetics (formerly Invitae), Labcorp
Classification: Uncertain significance for Joubert syndrome; Meckel-Gruber syndrome. Last evaluated: 2024-09-06. Review status: criteria provided, single submitter. Criteria: Invitae Variant Classification Sherloc (09022015). Collection method: clinical testing. Allele origin: germline.
Comment: This sequence change replaces arginine, which is basic and polar, with cysteine, which is neutral and slightly polar, at codon 538 of the MKS1 protein (p.Arg538Cys). This variant is present in population databases (rs34631184, gnomAD 0.03%). This variant has not been reported in the literature in individuals affected with MKS1-related conditions. ClinVar contains an entry for this variant (Variation ID: 2150162). Invitae Evidence Modeling of protein sequence and biophysical properties (such as structural, functional, and spatial information, amino acid conservation, physicochemical variation, residue mobility, and thermodynamic stability) indicates that this missense variant is expected to disrupt MKS1 protein function with a positive predictive value of 80%. In summary, the available evidence is currently insufficient to determine the role of this variant in disease. Therefore, it has been classified as a Variant of Uncertain Significance.

Fulgent Genetics
Classification: Uncertain significance for Meckel syndrome, type 1; Bardet-Biedl syndrome 13; Joubert syndrome 28. Last evaluated: 2024-06-13. Review status: criteria provided, single submitter. Criteria: ACMG Guidelines, 2015. Collection method: clinical testing. Allele origin: germline.

GeneDx
Classification: Uncertain significance. Last evaluated: 2023-07-07. Review status: criteria provided, single submitter. Criteria: GeneDx Variant Classification Process June 2021. Collection method: clinical testing. Allele origin: germline. Affected: yes.
Comment: In silico analysis supports that this missense variant has a deleterious effect on protein structure/function; Has not been previously published as pathogenic or benign to our knowledge

Revvity Omics, Revvity
Classification: Uncertain significance. Last evaluated: 2022-03-15. Review status: criteria provided, single submitter. Criteria: ACMG Guidelines, 2015. Collection method: clinical testing. Allele origin: germline.

PreventionGenetics, part of Exact Sciences
Classification: Uncertain significance for MKS1-related condition. Last evaluated: 2024-01-06. Review status: no assertion criteria provided. Collection method: clinical testing. Allele origin: germline. Not counted in ClinVar's aggregate classification.
Comment: The MKS1 c.1612C>T variant is predicted to result in the amino acid substitution p.Arg538Cys. To our knowledge, this variant has not been reported in the literature. This variant is reported in 0.029% of alleles in individuals of African descent in gnomAD. At this time, the clinical significance of this variant is uncertain due to the absence of conclusive functional and genetic evidence.